The following is an entry in ClinVar:

NM_001271.4(CHD2):c.4450A>G (p.Lys1484Glu)

Gene: CHD2 (chromodomain helicase DNA binding protein 2; plus strand). Cytogenetic location: 15q26.1.
Variant type: single nucleotide variant.
Coding change: c.4450A>G on transcript NM_001271.4 (MANE Select); coding-DNA position 4450, A replaced by G.
Protein change: p.Lys1484Glu; replaces lysine 1484 with glutamic acid.
Molecular consequence: missense variant.
Genome position (GRCh38, 1-based): chr15:93,009,181, A>G. VCF-style: chr15-93009181-A-G. GRCh37 (hg19) VCF-style: chr15-93552411-A-G.
Other names: short protein forms K1484E.
Identifiers: ClinVar variation 2015971 (VCV002015971.4), dbSNP rs1479775549, ClinGen allele CA393904318.

ClinVar aggregate classification (germline): Uncertain significance (1 of 4 stars; one submission).

Conditions:
Developmental and epileptic encephalopathy 94 (DEE94). Also called: Epileptic encephalopathy, childhood-onset; CHD2-Related Neurodevelopmental Disorders. Identifiers: Orphanet 1942, Orphanet 2382, MedGen C3809278, MONDO:0014150, OMIM 615369.

Submission:

Labcorp Genetics (formerly Invitae), Labcorp
Classification: Uncertain significance for Developmental and epileptic encephalopathy 94. Last evaluated: 2022-07-19. Review status: criteria provided, single submitter. Criteria: Invitae Variant Classification Sherloc (09022015). Collection method: clinical testing. Allele origin: germline.
Comment: In summary, the available evidence is currently insufficient to determine the role of this variant in disease. Therefore, it has been classified as a Variant of Uncertain Significance. This sequence change replaces lysine, which is basic and polar, with glutamic acid, which is acidic and polar, at codon 1484 of the CHD2 protein (p.Lys1484Glu). This variant is not present in population databases (gnomAD no frequency). This variant has not been reported in the literature in individuals affected with CHD2-related conditions. Advanced modeling of protein sequence and biophysical properties (such as structural, functional, and spatial information, amino acid conservation, physicochemical variation, residue mobility, and thermodynamic stability) performed at Invitae indicates that this missense variant is not expected to disrupt CHD2 protein function.